The following is an entry in ClinVar:

ClinVar aggregate classification (germline): Uncertain significance (1 of 4 stars; one submission).

Conditions:
Dilated cardiomyopathy 1J (CMD1J). Also called: CARDIOMYOPATHY, DILATED, WITH SENSORINEURAL HEARING LOSS, AUTOSOMAL DOMINANT. Identifiers: Orphanet 217622, MedGen C1854368, MONDO:0011541, OMIM 605362.

Submission:

Labcorp Genetics (formerly Invitae), Labcorp
Classification: Uncertain significance for Dilated cardiomyopathy 1J. Last evaluated: 2023-02-21. Review status: criteria provided, single submitter. Criteria: Invitae Variant Classification Sherloc (09022015). Collection method: clinical testing. Allele origin: germline.
Comment: This sequence change replaces glycine, which is neutral and non-polar, with serine, which is neutral and polar, at codon 165 of the EYA4 protein (p.Gly165Ser). This variant is not present in population databases (gnomAD no frequency). This variant has not been reported in the literature in individuals affected with EYA4-related conditions. Advanced modeling of protein sequence and biophysical properties (such as structural, functional, and spatial information, amino acid conservation, physicochemical variation, residue mobility, and thermodynamic stability) performed at Invitae indicates that this missense variant is not expected to disrupt EYA4 protein function. Algorithms developed to predict the effect of sequence changes on RNA splicing suggest that this variant may disrupt the consensus splice site. In summary, the available evidence is currently insufficient to determine the role of this variant in disease. Therefore, it has been classified as a Variant of Uncertain Significance.

NM_004100.5(EYA4):c.493G>A (p.Gly165Ser)

Gene: EYA4 (EYA transcriptional coactivator and phosphatase 4; plus strand). Cytogenetic location: 6q23.2.
Variant type: single nucleotide variant.
Coding change: c.493G>A on transcript NM_004100.5 (MANE Select); coding-DNA position 493, G replaced by A.
Protein change: p.Gly165Ser; replaces glycine 165 with serine.
Molecular consequence: missense variant.
Genome position (GRCh38, 1-based): chr6:133,462,390, G>A. VCF-style: chr6-133462390-G-A. GRCh37 (hg19) VCF-style: chr6-133783528-G-A.
Other names: c.331G>A, p.Gly111Ser (NM_001301012.2, NM_001370459.1); c.493G>A, p.Gly165Ser (NM_001301013.2, NM_172105.4); c.424G>A, p.Gly142Ser (NM_001370458.1, NM_172103.4); short protein forms G165S, G142S, G111S.
Identifiers: ClinVar variation 2781174 (VCV002781174.3), dbSNP rs2534560086, ClinGen allele CA365697886.